The following is an entry in ClinVar:

NM_001161748.2(LIM2):c.175+11C>T

Genes: LIM2 (lens intrinsic membrane protein 2; minus strand), LIM2-AS1 (LIM2 and SIGLEC10 antisense RNA 1; plus strand). Cytogenetic location: 19q13.41.
Variant type: single nucleotide variant.
Coding change: c.175+11C>T on transcript NM_001161748.2 (MANE Select); 11 bases into the intron after coding-DNA position 175, C replaced by T.
Molecular consequence: intron variant. On other transcripts: synonymous variant (1).
Genome position (GRCh38, 1-based): chr19:51,387,258, G>A on the plus strand (C>T on the coding strand, the complement: LIM2 is on the minus strand). VCF-style: chr19-51387258-G-A. GRCh37 (hg19) VCF-style: chr19-51890512-G-A.
Other names: c.186C>T, p.Pro62= (NM_030657.4).
Identifiers: ClinVar variation 702391 (VCV000702391.15), dbSNP rs73933350, ClinGen allele CA9611609.

ClinVar aggregate classification (germline): Benign/Likely benign. Review status: criteria provided, multiple submitters, no conflicts (2 of 4 stars). 3 submissions from 3 submitters: Benign (1); Likely benign (2). Last evaluated 2026-01-12.

Conditions:
Cataract 19 multiple types. Also called: CATARACT 19, CORTICAL PULVERULENT; CATARACT 19, CONGENITAL TOTAL. Identifiers: Orphanet 91492, MedGen C3809004, MONDO:0014111, OMIM 615277.

Allele frequency attached by ClinVar (database versions not stated): gnomAD exomes 0.00077 and 0.00183; ExAC 0.00225; gnomAD 0.00766 and 0.00824; TOPMed 0.00842; ESP Exome Variant Server 0.00877; 1000 Genomes Project 0.00919; 1000 Genomes Project 30x 0.00999.

Submissions (3):

Labcorp Genetics (formerly Invitae), Labcorp
Classification: Benign for Cataract 19 multiple types. Last evaluated: 2026-01-12. Review status: criteria provided, single submitter. Criteria: Invitae Variant Classification Sherloc (09022015). Collection method: clinical testing. Allele origin: germline.

Illumina Laboratory Services, Illumina
Classification: Likely benign for Cataract 19 multiple types. Last evaluated: 2017-04-27. Review status: criteria provided, single submitter. Criteria: ICSL Variant Classification Criteria 13 December 2019. Collection method: clinical testing. Allele origin: germline.
Comment: This variant was observed as part of a predisposition screen in an ostensibly healthy population. A literature search was performed for the gene, cDNA change, and amino acid change (where applicable). No publications were found based on this search. Allele frequency data from public databases allowed determination this variant is unlikely to cause disease. Therefore, this variant is classified as likely benign.

Breakthrough Genomics
Classification: Likely benign. Review status: criteria provided, single submitter. Criteria: ACMG Guidelines, 2015. Collection method: not provided. Allele origin: germline. Inheritance: Autosomal recessive inheritance. Affected: yes.